The following is an entry in ClinVar:

ClinVar aggregate classification (germline): Uncertain significance (1 of 4 stars; one submission).

Submission:

GeneDx
Classification: Uncertain significance. Last evaluated: 2024-10-07. Review status: criteria provided, single submitter. Criteria: GeneDx Variant Classification Process June 2021. Collection method: clinical testing. Allele origin: germline. Affected: yes.
Comment: In silico analysis indicates that this missense variant does not alter protein structure/function; Has not been previously published as pathogenic or benign to our knowledge

NM_004817.4(TJP2):c.379C>T (p.Leu127Phe)

Gene: TJP2 (tight junction protein 2; plus strand). Cytogenetic location: 9q21.11.
Variant type: single nucleotide variant.
Coding change: c.379C>T on transcript NM_004817.4 (MANE Select); coding-DNA position 379, C replaced by T.
Protein change: p.Leu127Phe; replaces leucine 127 with phenylalanine.
Molecular consequence: missense variant.
Genome position (GRCh38, 1-based): chr9:69,220,923, C>T. VCF-style: chr9-69220923-C-T. GRCh37 (hg19) VCF-style: chr9-71835839-C-T.
Other names: c.310C>T, p.Leu104Phe (NM_001170414.2, NM_001369870.1, NM_001369871.1); c.391C>T, p.Leu131Phe (NM_001170415.1, NM_001369874.1, NM_001369875.1); c.472C>T, p.Leu158Phe (NM_001170416.2); c.379C>T, p.Leu127Phe (NM_001369872.1, NM_001369873.1, NM_201629.3); short protein forms L104F, L127F, L131F, L158F.
Identifiers: ClinVar variation 3776350 (VCV003776350.1).